The following is an entry in ClinVar:

NM_001365999.1(SZT2):c.10087-1G>C

Gene: SZT2 (SZT2 subunit of KICSTOR complex; plus strand). Cytogenetic location: 1p34.2.
Variant type: single nucleotide variant.
Coding change: c.10087-1G>C on transcript NM_001365999.1 (MANE Select); the canonical splice acceptor site of the intron before coding-DNA position 10087, G replaced by C.
Molecular consequence: splice acceptor variant.
Genome position (GRCh38, 1-based): chr1:43,450,102, G>C. VCF-style: chr1-43450102-G-C. GRCh37 (hg19) VCF-style: chr1-43915773-G-C.
Other names: c.9916-1G>C (NM_015284.4).
Identifiers: ClinVar variation 2036179 (VCV002036179.4), dbSNP rs2545876835, ClinGen allele CA340047100.
Genomic context (GRCh38, chr1:43,450,102, plus strand): 5'-CTCAGGATGCCCTGTGGGAGGGTCTGTAGGGTCTGTGTCCCCTCCTCATCTTTCACTGCA[G>C]GTTGTGCTGAATCAGAAGTTCACTGACTGCTTTGTGCTAGTGTTTCTGGACTCCCACTTA-3'

ClinVar aggregate classification (germline): Likely pathogenic (1 of 4 stars; one submission).

Submission:

Labcorp Genetics (formerly Invitae), Labcorp
Classification: Likely pathogenic. Last evaluated: 2022-12-15. Review status: criteria provided, single submitter. Criteria: Invitae Variant Classification Sherloc (09022015). Collection method: clinical testing. Allele origin: germline.
Comment: This sequence change affects an acceptor splice site in intron 69 of the SZT2 gene. It is expected to disrupt RNA splicing. Variants that disrupt the donor or acceptor splice site typically lead to a loss of protein function (PMID: 16199547), and loss-of-function variants in SZT2 are known to be pathogenic (PMID: 23932106, 27248490, 28556953). This variant is not present in population databases (gnomAD no frequency). This variant has not been reported in the literature in individuals affected with SZT2-related conditions. Algorithms developed to predict the effect of sequence changes on RNA splicing suggest that this variant may disrupt the consensus splice site. In summary, the currently available evidence indicates that the variant is pathogenic, but additional data are needed to prove that conclusively. Therefore, this variant has been classified as Likely Pathogenic.

Literature cited by the submitters: PubMed 16199547; PubMed 23932106; PubMed 27248490; PubMed 28556953.